The following is an entry in ClinVar:

NM_015691.5(WWC3):c.1329C>T (p.Ser443=)

Gene: WWC3 (WWC family member 3; plus strand). Cytogenetic location: Xp22.2.
Variant type: single nucleotide variant.
Coding change: c.1329C>T on transcript NM_015691.5; coding-DNA position 1329, C replaced by T.
Protein change: p.Ser443=; no amino-acid change (serine 443 retained).
Molecular consequence: synonymous variant.
Genome position (GRCh38, 1-based): chrX:10,110,000, C>T. VCF-style: chrX-10110000-C-T. GRCh37 (hg19) VCF-style: chrX-10078040-C-T.
Identifiers: ClinVar variation 2659962 (VCV002659962.24), dbSNP rs751377385, ClinGen allele CA10346296.

ClinVar aggregate classification (germline): Likely benign (1 of 4 stars; one submission).

Allele frequency attached by ClinVar (database versions not stated): ExAC 0.00001; gnomAD 0.00001; gnomAD exomes 0.00001; TOPMed 0.00002.

Submission:

CeGaT Center for Human Genetics Tuebingen
Classification: Likely benign. Last evaluated: 2022-08-01. Review status: criteria provided, single submitter. Criteria: CeGaT Center For Human Genetics Tuebingen Variant Classification Criteria Version 2. Collection method: clinical testing. Allele origin: germline. Affected: yes. Observed: 1 variant allele.
Comment: WWC3: BP4, BP7